The following is an entry in ClinVar:

ClinVar aggregate classification (germline): Uncertain significance (1 of 4 stars; one submission).

Submission:

Labcorp Genetics (formerly Invitae), Labcorp
Classification: Uncertain significance. Last evaluated: 2022-04-07. Review status: criteria provided, single submitter. Criteria: Invitae Variant Classification Sherloc (09022015). Collection method: clinical testing. Allele origin: germline.
Comment: This sequence change replaces lysine, which is basic and polar, with glutamine, which is neutral and polar, at codon 1102 of the ITPR1 protein (p.Lys1102Gln). In summary, the available evidence is currently insufficient to determine the role of this variant in disease. Therefore, it has been classified as a Variant of Uncertain Significance. Algorithms developed to predict the effect of missense changes on protein structure and function are either unavailable or do not agree on the potential impact of this missense change (SIFT: "Deleterious"; PolyPhen-2: "Benign"; Align-GVGD: "Class C0"). This variant has not been reported in the literature in individuals affected with ITPR1-related conditions. This variant is not present in population databases (gnomAD no frequency).

NM_001378452.1(ITPR1):c.3376A>C (p.Lys1126Gln)

Gene: ITPR1 (inositol 1,4,5-trisphosphate receptor type 1; plus strand). Cytogenetic location: 3p26.1.
Variant type: single nucleotide variant.
Coding change: c.3376A>C on transcript NM_001378452.1 (MANE Select); coding-DNA position 3376, A replaced by C.
Protein change: p.Lys1126Gln; replaces lysine 1126 with glutamine.
Molecular consequence: missense variant.
Genome position (GRCh38, 1-based): chr3:4,683,676, A>C. VCF-style: chr3-4683676-A-C. GRCh37 (hg19) VCF-style: chr3-4725360-A-C.
Other names: c.3349A>C, p.Lys1117Gln (NM_001099952.4); c.3331A>C, p.Lys1111Gln (NM_001168272.2); c.3304A>C, p.Lys1102Gln (NM_002222.7); short protein forms K1126Q, K1102Q, K1117Q, K1111Q.
Identifiers: ClinVar variation 2122515 (VCV002122515.4), dbSNP rs2469794933, ClinGen allele CA351650985.